The following is an entry in ClinVar:

NM_002471.4(MYH6):c.1946T>C (p.Val649Ala)

Gene: MYH6 (myosin heavy chain 6; minus strand). Cytogenetic location: 14q11.2.
Variant type: single nucleotide variant.
Coding change: c.1946T>C on transcript NM_002471.4 (MANE Select); coding-DNA position 1946, T replaced by C.
Protein change: p.Val649Ala; replaces valine 649 with alanine.
Molecular consequence: missense variant.
Genome position (GRCh38, 1-based): chr14:23,397,559, A>G on the plus strand (T>C on the coding strand, the complement: MYH6 is on the minus strand). VCF-style: chr14-23397559-A-G. GRCh37 (hg19) VCF-style: chr14-23866768-A-G.
Other names: short protein forms V649A.
Identifiers: ClinVar variation 1783139 (VCV001783139.7), dbSNP rs543231422, ClinGen allele CA7115658.
Genomic context (GRCh38, chr14:23,397,559, plus strand): 5'-GGGCCATTCCACCAGGTGTCCTGGCACCCCTGGGCCCTTCTTACCCGGTGGAGAGCCGAC[A>G]CCGTCTGGAAGGATGAGCCCTTTTTCTTGCCTCCTTTGCTTTTACCACTGTCCCCTAAAC-3'
Protein context (NP_002462.2, residues 639-659): GKKKGSSFQT[Val649Ala]SALHRENLNK

ClinVar aggregate classification (germline): Uncertain significance. Review status: criteria provided, multiple submitters, no conflicts (2 of 4 stars). 3 submissions from 3 submitters: Uncertain significance (3). Last evaluated 2026-08-05.

Conditions:
MYH6-related disorder. Also called: MYH6-related condition; MYH6-Related Disorders.
Cardiovascular phenotype. Identifiers: MedGen CN230736.

Allele frequency attached by ClinVar (database versions not stated): gnomAD exomes below 0.00001; ExAC 0.00002; gnomAD 0.00002; 1000 Genomes Project 30x 0.00016; 1000 Genomes Project 0.00020.
gnomAD v4.1: 5 of 1,614,168 alleles (0.00031%); highest among the groups gnomAD compares: African/African-American, 0.0053%; no homozygotes.

Submissions (3):

PreventionGenetics, part of Exact Sciences
Classification: Uncertain significance for MYH6-related condition. Last evaluated: 2026-08-05. Review status: criteria provided, single submitter. Criteria: ACMG Guidelines, 2015. Collection method: clinical testing. Allele origin: germline.
Comment: The MYH6 c.1946T>C variant is predicted to result in the amino acid substitution p.Val649Ala. To our knowledge, this variant has not been reported in the literature. This variant is reported in 0.0062% of alleles in individuals of African descent in gnomAD. At this time, the clinical significance of this variant is uncertain due to the absence of conclusive functional and genetic evidence.

GeneDx
Classification: Uncertain significance. Last evaluated: 2026-02-10. Review status: criteria provided, single submitter. Criteria: GeneDx Variant Classification Process June 2021. Collection method: clinical testing. Allele origin: germline.
Comment: Not observed at significant frequency in large population cohorts (gnomAD); In silico analysis supports that this missense variant has a deleterious effect on protein structure/function; Has not been previously published as pathogenic or benign to our knowledge

Ambry Genetics
Classification: Uncertain significance for Cardiovascular phenotype. Last evaluated: 2025-08-12. Review status: criteria provided, single submitter. Criteria: Ambry Variant Classification Scheme 2023. Collection method: clinical testing. Allele origin: germline.
Comment: The p.V649A variant (also known as c.1946T>C), located in coding exon 14 of the MYH6 gene, results from a T to C substitution at nucleotide position 1946. The valine at codon 649 is replaced by alanine, an amino acid with similar properties. This amino acid position is highly conserved in available vertebrate species. In addition, this alteration is predicted to be deleterious by in silico analysis. Since supporting evidence is limited at this time, the clinical significance of this alteration remains unclear.